The following is an entry in ClinVar:

NM_006767.4(LZTR1):c.2205G>A (p.Pro735=)

Gene: LZTR1 (leucine zipper like post translational regulator 1; plus strand). Cytogenetic location: 22q11.21.
Variant type: single nucleotide variant.
Coding change: c.2205G>A on transcript NM_006767.4 (MANE Select); coding-DNA position 2205, G replaced by A.
Protein change: p.Pro735=; no amino-acid change (proline 735 retained).
Molecular consequence: synonymous variant.
Genome position (GRCh38, 1-based): chr22:20,996,098, G>A. VCF-style: chr22-20996098-G-A. GRCh37 (hg19) VCF-style: chr22-21350387-G-A.
Identifiers: ClinVar variation 1529204 (VCV001529204.13), dbSNP rs368690209, ClinGen allele CA10119274.

ClinVar aggregate classification (germline): Benign/Likely benign. Review status: criteria provided, multiple submitters, no conflicts (2 of 4 stars). 4 submissions from 4 submitters: Benign (1); Likely benign (2). 1 of the submissions does not count toward it. Last evaluated 2026-01-26.

Conditions:
Hereditary cancer-predisposing syndrome. Also called: Neoplastic Syndromes, Hereditary; Hereditary Cancer Syndrome; Tumor predisposition; Hereditary neoplastic syndrome. Identifiers: Orphanet 140162, MedGen C0027672, MeSH D009386, MONDO:0015356.
Cardiovascular phenotype. Identifiers: MedGen CN230736.
LZTR1-related disorder. Also called: LZTR1-related disorders; LZTR1-related condition.

Allele frequency attached by ClinVar (database versions not stated): ExAC 0.00005; gnomAD exomes 0.00005; ESP Exome Variant Server 0.00008; gnomAD 0.00010 and 0.00011; TOPMed 0.00013.
gnomAD v4.1: 45 of 1,612,482 alleles (0.0028%); highest among the groups gnomAD compares: African/African-American, 0.037%; no homozygotes.

Submissions (4):

Labcorp Genetics (formerly Invitae), Labcorp
Classification: Likely benign. Last evaluated: 2026-01-26. Review status: criteria provided, single submitter. Criteria: Invitae Variant Classification Sherloc (09022015). Collection method: clinical testing. Allele origin: germline.

Women's Health and Genetics/Laboratory Corporation of America, LabCorp
Classification: Benign. Last evaluated: 2022-03-05. Review status: criteria provided, single submitter. Criteria: LabCorp Variant Classification Summary - May 2015. Collection method: clinical testing. Allele origin: germline.

Ambry Genetics
Classification: Likely benign for Cardiovascular phenotype; Hereditary cancer-predisposing syndrome. Last evaluated: 2020-12-21. Review status: criteria provided, single submitter. Criteria: Ambry Variant Classification Scheme 2023. Collection method: clinical testing. Allele origin: germline.

PreventionGenetics, part of Exact Sciences
Classification: Likely benign for LZTR1-related condition. Last evaluated: 2019-08-28. Review status: no assertion criteria provided. Collection method: clinical testing. Allele origin: germline. Not counted in ClinVar's aggregate classification.
Comment: This variant is classified as likely benign based on ACMG/AMP sequence variant interpretation guidelines (Richards et al. 2015 PMID: 25741868, with internal and published modifications).